The following is an entry in ClinVar:

ClinVar aggregate classification (germline): Uncertain significance (1 of 4 stars; one submission).

Conditions:
Hemochromatosis type 4 (HFE4). Also called: HEMOCHROMATOSIS DUE TO DEFECT IN FERROPORTIN; HEMOCHROMATOSIS, AUTOSOMAL DOMINANT; Ferroportin disease. Identifiers: Orphanet 139491, Orphanet 647834, Orphanet 648562, MedGen C1853733, MONDO:0011631, OMIM 606069.

Submission:

Labcorp Genetics (formerly Invitae), Labcorp
Classification: Uncertain significance for Hemochromatosis type 4. Last evaluated: 2025-02-17. Review status: criteria provided, single submitter. Criteria: Invitae Variant Classification Sherloc (09022015). Collection method: clinical testing. Allele origin: germline.
Comment: This sequence change replaces histidine, which is basic and polar, with proline, which is neutral and non-polar, at codon 116 of the SLC40A1 protein (p.His116Pro). This variant is not present in population databases (gnomAD no frequency). This variant has not been reported in the literature in individuals affected with SLC40A1-related conditions. Invitae Evidence Modeling of protein sequence and biophysical properties (such as structural, functional, and spatial information, amino acid conservation, physicochemical variation, residue mobility, and thermodynamic stability) has been performed for this missense variant. However, the output from this modeling did not meet the statistical confidence thresholds required to predict the impact of this variant on SLC40A1 protein function. In summary, the available evidence is currently insufficient to determine the role of this variant in disease. Therefore, it has been classified as a Variant of Uncertain Significance.

NM_014585.6(SLC40A1):c.347A>C (p.His116Pro)

Gene: SLC40A1 (solute carrier family 40 member 1; minus strand). Cytogenetic location: 2q32.2.
Variant type: single nucleotide variant.
Coding change: c.347A>C on transcript NM_014585.6 (MANE Select); coding-DNA position 347, A replaced by C.
Protein change: p.His116Pro; replaces histidine 116 with proline.
Molecular consequence: missense variant.
Genome position (GRCh38, 1-based): chr2:189,572,886, T>G on the plus strand (A>C on the coding strand, the complement: SLC40A1 is on the minus strand). VCF-style: chr2-189572886-T-G. GRCh37 (hg19) VCF-style: chr2-190437612-T-G.
Other names: short protein forms H116P.
Identifiers: ClinVar variation 3650874 (VCV003650874.2).
Genomic context (GRCh38, chr2:189,572,886, plus strand): 5'-GAATCTCATTGAGAACTTACGAGAACCCATCCATGGTACATGGTCAGAAGCTCATGTTTA[T>G]GTAAGAAAACCATCATCAGGATGATTCCACACAGGATGACTGAAACATTCTGTACCACCA-3'
Protein context (NP_055400.1, residues 106-126): CGIILMMVFL[His116Pro]KHELLTMYHG